The following is an entry in ClinVar:

ClinVar aggregate classification (germline): Benign. Review status: criteria provided, multiple submitters, no conflicts (2 of 4 stars). 3 submissions from 3 submitters: Benign (3). Last evaluated 2018-06-23.

Conditions:
Combined oxidative phosphorylation defect type 4. Identifiers: Orphanet 254925, MedGen C1857682, MONDO:0012534, OMIM 610678.

Allele frequency attached by ClinVar (database versions not stated): 1000 Genomes Project 0.34924; 1000 Genomes Project 30x 0.35806; gnomAD 0.40328 and 0.41063; TOPMed 0.40468.
gnomAD v4.1: 598,969 of 1,533,892 alleles (39%); highest among the groups gnomAD compares: Admixed American, 48%; 119,795 homozygotes.

Submissions (3):

GeneDx
Classification: Benign. Last evaluated: 2018-06-23. Review status: criteria provided, single submitter. Criteria: GeneDx Variant Classification Process June 2021. Collection method: clinical testing. Allele origin: germline. Affected: yes.

Illumina Laboratory Services, Illumina
Classification: Benign for Combined oxidative phosphorylation defect type 4. Last evaluated: 2018-01-13. Review status: criteria provided, single submitter. Criteria: ICSL Variant Classification Criteria 13 December 2019. Collection method: clinical testing. Allele origin: germline.
Comment: This variant was observed in the ICSL laboratory as part of a predisposition screen in an ostensibly healthy population. It had not been previously curated by ICSL or reported in the Human Gene Mutation Database (HGMD: prior to June 1st, 2018), and was therefore a candidate for classification through an automated scoring system. Utilizing variant allele frequency, disease prevalence and penetrance estimates, and inheritance mode, an automated score was calculated to assess if this variant is too frequent to cause the disease. Based on the score and internal cut-off values, a variant classified as benign is not then subjected to further curation. The score for this variant resulted in a classification of benign for this disease.

Breakthrough Genomics
Classification: Benign. Review status: criteria provided, single submitter. Criteria: ACMG Guidelines, 2015. Collection method: not provided. Allele origin: germline. Inheritance: Autosomal recessive inheritance. Affected: yes.

NM_003321.5(TUFM):c.-55T>C

Genes: TUFM (Tu translation elongation factor, mitochondrial; minus strand), LOC130058735 (ATAC-STARR-seq lymphoblastoid active region 10645; plus strand). Cytogenetic location: 16p11.2.
Variant type: single nucleotide variant.
Coding change: c.-55T>C on transcript NM_003321.5 (MANE Select); 55 bases upstream of the start codon, T replaced by C.
Molecular consequence: 5 prime UTR variant.
Genome position (GRCh38, 1-based): chr16:28,846,324, A>G on the plus strand (T>C on the coding strand, the complement: TUFM is on the minus strand). VCF-style: chr16-28846324-A-G. GRCh37 (hg19) VCF-style: chr16-28857645-A-G.
Other names: c.-55T>C (NM_001365360.2).
Identifiers: ClinVar variation 318760 (VCV000318760.9), dbSNP rs7187776, ClinGen allele CA10648228.
Genomic context (GRCh38, chr16:28,846,324, plus strand): 5'-GGTCATACTCGCGCCCCGGTAACCGGGGAGCCGGGACCAGGAGCCCGAGCGCACAGAAGA[A>G]GAAGGGCGCCTGCGGCTGGAAGGCACTTCCGGCGGAAGTTAGAGCTGGGAGGGCAAGTCC-3'